The following is an entry in ClinVar:

NM_006516.4(SLC2A1):c.322G>C (p.Val108Leu)

Gene: SLC2A1 (solute carrier family 2 member 1; minus strand). Cytogenetic location: 1p34.2.
Variant type: single nucleotide variant.
Coding change: c.322G>C on transcript NM_006516.4 (MANE Select); coding-DNA position 322, G replaced by C.
Protein change: p.Val108Leu; replaces valine 108 with leucine.
Molecular consequence: missense variant.
Genome position (GRCh38, 1-based): chr1:42,930,820, C>G on the plus strand (G>C on the coding strand, the complement: SLC2A1 is on the minus strand). VCF-style: chr1-42930820-C-G. GRCh37 (hg19) VCF-style: chr1-43396491-C-G.
Other names: short protein forms V108L.
Identifiers: ClinVar variation 2696112 (VCV002696112.3), dbSNP rs74323945, ClinGen allele CA339961243.

ClinVar aggregate classification (germline): Uncertain significance (1 of 4 stars; one submission).

Conditions:
GLUT1 deficiency syndrome 1, autosomal recessive. Identifiers: MedGen C3149117.

Submission:

Labcorp Genetics (formerly Invitae), Labcorp
Classification: Uncertain significance for GLUT1 deficiency syndrome 1, autosomal recessive. Last evaluated: 2023-11-15. Review status: criteria provided, single submitter. Criteria: Invitae Variant Classification Sherloc (09022015). Collection method: clinical testing. Allele origin: germline.
Comment: This sequence change replaces valine, which is neutral and non-polar, with leucine, which is neutral and non-polar, at codon 108 of the SLC2A1 protein (p.Val108Leu). This variant is not present in population databases (gnomAD no frequency). This variant has not been reported in the literature in individuals affected with SLC2A1-related conditions. Advanced modeling of protein sequence and biophysical properties (such as structural, functional, and spatial information, amino acid conservation, physicochemical variation, residue mobility, and thermodynamic stability) performed at Invitae indicates that this missense variant is not expected to disrupt SLC2A1 protein function with a negative predictive value of 95%. In summary, the available evidence is currently insufficient to determine the role of this variant in disease. Therefore, it has been classified as a Variant of Uncertain Significance.